The following is an entry in ClinVar:

NM_014141.6(CNTNAP2):c.1377C>A (p.His459Gln)

Gene: CNTNAP2 (contactin associated protein 2; plus strand). Cytogenetic location: 7q35.
Variant type: single nucleotide variant.
Coding change: c.1377C>A on transcript NM_014141.6 (MANE Select); coding-DNA position 1377, C replaced by A.
Protein change: p.His459Gln; replaces histidine 459 with glutamine.
Molecular consequence: missense variant.
Genome position (GRCh38, 1-based): chr7:147,300,169, C>A. VCF-style: chr7-147300169-C-A. GRCh37 (hg19) VCF-style: chr7-146997261-C-A.
Other names: short protein forms H459Q.
Identifiers: ClinVar variation 1465840 (VCV001465840.8), dbSNP rs377678020, ClinGen allele CA168711481.

ClinVar aggregate classification (germline): Uncertain significance (1 of 4 stars; one submission).

Conditions:
Cortical dysplasia-focal epilepsy syndrome (PTHSL1). Also called: Pitt-Hopkins-like syndrome 1. Identifiers: Orphanet 163681, Orphanet 221150, MedGen C2750246, MONDO:0012400, OMIM 610042.

Submission:

Labcorp Genetics (formerly Invitae), Labcorp
Classification: Uncertain significance for Cortical dysplasia-focal epilepsy syndrome. Last evaluated: 2023-12-27. Review status: criteria provided, single submitter. Criteria: Invitae Variant Classification Sherloc (09022015). Collection method: clinical testing. Allele origin: germline.
Comment: This sequence change replaces histidine, which is basic and polar, with glutamine, which is neutral and polar, at codon 459 of the CNTNAP2 protein (p.His459Gln). This variant is not present in population databases (gnomAD no frequency). This variant has not been reported in the literature in individuals affected with CNTNAP2-related conditions. ClinVar contains an entry for this variant (Variation ID: 1465840). An algorithm developed to predict the effect of missense changes on protein structure and function (PolyPhen-2) suggests that this variant is likely to be disruptive. In summary, the available evidence is currently insufficient to determine the role of this variant in disease. Therefore, it has been classified as a Variant of Uncertain Significance.